The following is an entry in ClinVar:

NM_006767.4(LZTR1):c.1660G>C (p.Ala554Pro)

Gene: LZTR1 (leucine zipper like post translational regulator 1; plus strand). Cytogenetic location: 22q11.21.
Variant type: single nucleotide variant.
Coding change: c.1660G>C on transcript NM_006767.4 (MANE Select); coding-DNA position 1660, G replaced by C.
Protein change: p.Ala554Pro; replaces alanine 554 with proline.
Molecular consequence: missense variant.
Genome position (GRCh38, 1-based): chr22:20,994,602, G>C. VCF-style: chr22-20994602-G-C. GRCh37 (hg19) VCF-style: chr22-21348891-G-C.
Other names: short protein forms A554P.
Identifiers: ClinVar variation 4859353 (VCV004859353.1).

ClinVar aggregate classification (germline): Uncertain significance (1 of 4 stars; one submission).

Conditions:
Cardiovascular phenotype. Identifiers: MedGen CN230736.
Hereditary cancer-predisposing syndrome. Also called: Neoplastic Syndromes, Hereditary; Tumor predisposition; Hereditary Cancer Syndrome; Hereditary neoplastic syndrome. Identifiers: Orphanet 140162, MedGen C0027672, MeSH D009386, MONDO:0015356.

gnomAD v4.1: 3 of 1,612,430 alleles (0.00019%); highest among the groups gnomAD compares: South Asian, 0.0022%; no homozygotes.

Submission:

Ambry Genetics
Classification: Uncertain significance for Cardiovascular phenotype; Hereditary cancer-predisposing syndrome. Last evaluated: 2026-05-05. Review status: criteria provided, single submitter. Criteria: Ambry Variant Classification Scheme 2023. Collection method: clinical testing. Allele origin: germline.
Comment: The p.A554P variant (also known as c.1660G>C), located in coding exon 15 of the LZTR1 gene, results from a G to C substitution at nucleotide position 1660. The alanine at codon 554 is replaced by proline, an amino acid with highly similar properties. This variant was reported in individual(s) with features consistent with LZTR1-related Noonan syndrome (Umeki I et al. Hum Genet, 2019 Jan;138:21-35). This amino acid position is highly conserved in available vertebrate species. In addition, this alteration is predicted to be deleterious by in silico analysis. Based on the available evidence, the clinical significance of this variant remains unclear.

Literature cited by the submitters: PubMed 30368668.